The following is an entry in ClinVar:

NM_004655.4(AXIN2):c.643C>A (p.Leu215Ile)

Gene: AXIN2 (axin 2; minus strand). Cytogenetic location: 17q24.1.
Variant type: single nucleotide variant.
Coding change: c.643C>A on transcript NM_004655.4 (MANE Select); coding-DNA position 643, C replaced by A.
Protein change: p.Leu215Ile; replaces leucine 215 with isoleucine.
Molecular consequence: missense variant.
Genome position (GRCh38, 1-based): chr17:65,557,978, G>T on the plus strand (C>A on the coding strand, the complement: AXIN2 is on the minus strand). VCF-style: chr17-65557978-G-T. GRCh37 (hg19) VCF-style: chr17-63554096-G-T.
Other names: c.643C>A, p.Leu215Ile (NM_001363813.1); short protein forms L215I.
Identifiers: ClinVar variation 3814612 (VCV003814612.1).

ClinVar aggregate classification (germline): Uncertain significance (1 of 4 stars; one submission).

Conditions:
Hereditary cancer-predisposing syndrome. Also called: Hereditary neoplastic syndrome; Neoplastic Syndromes, Hereditary; Tumor predisposition; Hereditary Cancer Syndrome. Identifiers: Orphanet 140162, MedGen C0027672, MeSH D009386, MONDO:0015356.

Submission:

Ambry Genetics
Classification: Uncertain significance for Hereditary cancer-predisposing syndrome. Last evaluated: 2025-02-06. Review status: criteria provided, single submitter. Criteria: Ambry Variant Classification Scheme 2023. Collection method: clinical testing. Allele origin: germline.
Comment: The p.L215I variant (also known as c.643C>A), located in coding exon 1 of the AXIN2 gene, results from a C to A substitution at nucleotide position 643. The leucine at codon 215 is replaced by isoleucine, an amino acid with highly similar properties. This amino acid position is conserved. In addition, this alteration is predicted to be tolerated by in silico analysis. Based on the available evidence, the clinical significance of this variant remains unclear.